The following is an entry in ClinVar:

NM_007294.4(BRCA1):c.3442del (p.Glu1148fs)

Genes: BRCA1 (BRCA1 DNA repair associated; minus strand), LOC126862571 (BRD4-independent group 4 enhancer GRCh37_chr17:41243136-41244335; plus strand). Cytogenetic location: 17q21.31.
Variant type: Deletion.
Coding change: c.3442del on transcript NM_007294.4 (MANE Select); coding-DNA position 3442, one base deleted (G; older notation c.3442delG).
Protein change: p.Glu1148fs; shifts the reading frame from glutamic acid 1148.
Molecular consequence: frameshift variant. On other transcripts: intron variant (135).
Genome position (GRCh38, 1-based): chr17:43,092,089, C deleted on the plus strand (G on the coding strand, the reverse complement: BRCA1 is on the minus strand). VCF-style (leftmost placement, unchanged base first): chr17-43092088-TC-T. GRCh37 (hg19) VCF-style: chr17-41244105-TC-T.
Other names: 3561delG; c.3298del, p.Glu1100fs (NM_001407848.1, NM_001407849.1, NM_001407943.1 and 20 more transcripts); c.3301del, p.Glu1101fs (NM_001407850.1, NM_001407851.1, NM_001407852.1 and 29 more transcripts); c.3229del, p.Glu1077fs (NM_001407853.1, NM_001407894.1, NM_001407895.1 and 9 more transcripts); c.3442del, p.Glu1148fs (NM_001407854.1, NM_001407858.1, NM_001407859.1 and 30 more transcripts); c.3439del, p.Glu1147fs (NM_001407860.1, NM_001407861.1, NM_001407587.1 and 22 more transcripts); c.3241del, p.Glu1081fs (NM_001407862.1); c.3319del, p.Glu1107fs (NM_001407863.1, NM_001407919.1, NM_001407937.1 and 19 more transcripts); and 42 more; short protein forms E1101fs, E1148fs, E1059fs, E1121fs, E1145fs, E280fs, E980fs, E1021fs.
Identifiers: ClinVar variation 37530 (VCV000037530.25), dbSNP rs80357808, ClinGen allele CA002227.
Genomic context (GRCh38, chr17:43,092,088, plus strand): 5'-TTTTCAGCAAAACTAGTATCTTCCTTTATTTCACCATCATCTAACAGGTCATCAGGTGTC[TC>T]AGAACAAACCTGAGATGCATGACTACTTCCCATAGGCTGTTCTAAGTTATCTGAAATCAG-3'

ClinVar aggregate classification (germline): Pathogenic. Review status: reviewed by expert panel (3 of 4 stars). 10 submissions from 10 submitters: Pathogenic (1). 9 of the submissions do not count toward it. Last evaluated 2016-09-08.

Conditions:
Hereditary cancer-predisposing syndrome. Also called: Tumor predisposition; Neoplastic Syndromes, Hereditary; Hereditary Cancer Syndrome; Hereditary neoplastic syndrome. Identifiers: Orphanet 140162, MedGen C0027672, MeSH D009386, MONDO:0015356.
Hereditary breast ovarian cancer syndrome. Also called: Hereditary breast and ovarian cancer syndrome (HBOC); Hereditary breast and ovarian cancer syndrome; Hereditary breast and ovarian cancer; Hereditary breast and/or ovarian cancer syndrome; Breast and ovarian cancer; BRCA1- and BRCA2-Associated Hereditary Breast and Ovarian Cancer. Identifiers: Orphanet 145, MedGen C0677776, MeSH D061325, MONDO:0003582. Disease mechanism: loss of function.
Breast-ovarian cancer, familial, susceptibility to, 1 (BROVCA1). Also called: OVARIAN CANCER, SUSCEPTIBILITY TO; BRCA1 Hereditary Breast and Ovarian Cancer. Identifiers: Orphanet 145, MedGen C2676676, MONDO:0011450, OMIM 604370. Disease mechanism: loss of function.

Allele frequency attached by ClinVar (database versions not stated): gnomAD exomes below 0.00001.

Submissions (10):

Evidence-based Network for the Interpretation of Germline Mutant Alleles (ENIGMA)
Classification: Pathogenic for Breast-ovarian cancer, familial, susceptibility to, 1. Last evaluated: 2016-09-08. Review status: reviewed by expert panel. Criteria: ENIGMA BRCA1/2 Classification Criteria (2015). Collection method: curation. Allele origin: germline.
Comment: Variant allele predicted to encode a truncated non-functional protein.

Labcorp Genetics (formerly Invitae), Labcorp
Classification: Pathogenic for Hereditary breast ovarian cancer syndrome. Last evaluated: 2025-11-25. Review status: criteria provided, single submitter. Criteria: Invitae Variant Classification Sherloc (09022015). Collection method: clinical testing. Allele origin: germline. Not counted in ClinVar's aggregate classification.
Comment: This sequence change creates a premature translational stop signal (p.Glu1148Argfs*7) in the BRCA1 gene. It is expected to result in an absent or disrupted protein product. Loss-of-function variants in BRCA1 are known to be pathogenic (PMID: 20104584). This variant is present in population databases (rs80357808, gnomAD 0.006%). This premature translational stop signal has been observed in individual(s) with breast and/or ovarian cancer (PMID: 19016756, 22798144, 28724667, 29020732). This variant is also known as 3561delG. ClinVar contains an entry for this variant (Variation ID: 37530). For these reasons, this variant has been classified as Pathogenic.

Ambry Genetics
Classification: Pathogenic for Hereditary cancer-predisposing syndrome. Last evaluated: 2025-11-05. Review status: criteria provided, single submitter. Criteria: Ambry Variant Classification Scheme 2023. Collection method: clinical testing. Allele origin: germline. Not counted in ClinVar's aggregate classification.
Comment: The c.3442delG pathogenic mutation, located in coding exon 9 of the BRCA1 gene, results from a deletion of one nucleotide at position 3442, causing a translational frameshift with a predicted alternate stop codon (p.E1148Rfs*7). This variant is considered to be rare based on population cohorts in the Genome Aggregation Database (gnomAD). In addition to the clinical data presented in the literature, this alteration is expected to result in loss of function by premature protein truncation or nonsense-mediated mRNA decay. As such, this alteration is interpreted as a disease-causing mutation.

Quest Diagnostics Nichols Institute San Juan Capistrano
Classification: Pathogenic. Last evaluated: 2024-03-25. Review status: criteria provided, single submitter. Criteria: Quest Diagnostics criteria. Collection method: clinical testing. Allele origin: unknown. Not counted in ClinVar's aggregate classification.
Comment: The BRCA1 c.3442del (p.Glu1148Argfs*7) variant alters the translational reading frame of the BRCA1 mRNA and causes the premature termination of BRCA1 protein synthesis. This variant has been reported in the published literature in numerous individuals with personal or family history of breast/ovarian cancer (PMIDs: 31742824 (2020), 31143373 (2019), 30350268 (2018), 30287823 (2018), 29176636 (2018), 29020732 (2018), 28888541 (2017), 28724667 (2017), 19016756 (2008)). The frequency of this variant in the general population, 0.000004 (1/251228 chromosomes (Genome Aggregation Database)), is consistent with pathogenicity. Based on the available information, this variant is classified as pathogenic.

Baylor Genetics
Classification: Pathogenic for Breast-ovarian cancer, familial, susceptibility to, 1. Last evaluated: 2023-12-14. Review status: criteria provided, single submitter. Criteria: ACMG Guidelines, 2015. Collection method: clinical testing. Allele origin: unknown. Not counted in ClinVar's aggregate classification.

Color Diagnostics, LLC DBA Color Health
Classification: Pathogenic for Hereditary cancer-predisposing syndrome. Last evaluated: 2020-12-31. Review status: criteria provided, single submitter. Criteria: ACMG Guidelines, 2015. Collection method: clinical testing. Allele origin: germline. Not counted in ClinVar's aggregate classification.
Comment: This variant deletes 1 nucleotide in exon 10 of the BRCA1 gene, creating a frameshift and premature translation stop signal. This variant is expected to result in an absent or non-functional protein product. To our knowledge, functional studies have not been reported for this variant. This variant has been observed in multiple individuals affected with breast and ovarian cancer (PMID: 24249303, 30287823, 30309222). This variant has been identified in 1/251228 chromosomes in the general population by the Genome Aggregation Database (gnomAD). Loss of BRCA1 function is a known mechanism of disease. Based on the available evidence, this variant is classified as Pathogenic.

Women's Health and Genetics/Laboratory Corporation of America, LabCorp
Classification: Pathogenic for Hereditary breast and ovarian cancer syndrome. Last evaluated: 2020-01-20. Review status: criteria provided, single submitter. Criteria: LabCorp Variant Classification Summary - May 2015. Collection method: clinical testing. Allele origin: germline. Not counted in ClinVar's aggregate classification.
Comment: Variant summary: BRCA1 c.3442delG (p.Glu1148ArgfsX7) results in a premature termination codon, predicted to cause a truncation of the encoded protein or absence of the protein due to nonsense mediated decay, which are commonly known mechanisms for disease. Truncations downstream of this position have been classified as pathogenic by our laboratory. The variant allele was found at a frequency of 4e-06 in 251228 control chromosomes. c.3442delG has been reported in the literature in multiple individuals affected with Hereditary Breast and Ovarian Cancer (eg. Sugano_2008, Kwon_2019). These data indicate that the variant is very likely to be associated with disease. Two clinical diagnostic laboratories and one expert panel have submitted clinical-significance assessments for this variant to ClinVar after 2014 without evidence for independent evaluation. All submitters classified the variant as pathogenic. Based on the evidence outlined above, the variant was classified as pathogenic.

Consortium of Investigators of Modifiers of BRCA1/2 (CIMBA), c/o University of Cambridge
Classification: Pathogenic for Breast-ovarian cancer, familial, susceptibility to, 1. Last evaluated: 2015-10-02. Review status: criteria provided, single submitter. Criteria: CIMBA Mutation Classification guidelines May 2016. Collection method: clinical testing. Allele origin: germline. Not counted in ClinVar's aggregate classification.

Sharing Clinical Reports Project (SCRP)
Classification: Pathogenic for Breast-ovarian cancer, familial 1. Last evaluated: 2012-02-13. Review status: no assertion criteria provided. Collection method: clinical testing. Allele origin: germline. Not counted in ClinVar's aggregate classification.

Breast Cancer Information Core (BIC) (BRCA1)
Classification: Pathogenic for Breast-ovarian cancer, familial 1. Last evaluated: 2003-12-23. Review status: no assertion criteria provided. Collection method: clinical testing. Allele origin: germline. Affected: yes. Observed: 2 variant alleles. Not counted in ClinVar's aggregate classification.

Literature cited by the submitters: PubMed 20104584 (cited by Labcorp Genetics (formerly Invitae), Labcorp); PubMed 19016756 (cited by 3 submitters); PubMed 22798144 (cited by Labcorp Genetics (formerly Invitae), Labcorp); PubMed 28724667 (cited by Labcorp Genetics (formerly Invitae), Labcorp and Quest Diagnostics Nichols Institute San Juan Capistrano); PubMed 29020732 (cited by Labcorp Genetics (formerly Invitae), Labcorp and Quest Diagnostics Nichols Institute San Juan Capistrano); PubMed 31742824 (cited by Quest Diagnostics Nichols Institute San Juan Capistrano); PubMed 31143373 (cited by Quest Diagnostics Nichols Institute San Juan Capistrano); PubMed 30350268 (cited by Quest Diagnostics Nichols Institute San Juan Capistrano); PubMed 30287823 (cited by Quest Diagnostics Nichols Institute San Juan Capistrano); PubMed 29176636 (cited by Quest Diagnostics Nichols Institute San Juan Capistrano); PubMed 28888541 (cited by Quest Diagnostics Nichols Institute San Juan Capistrano); PubMed 30309222 (cited by Women's Health and Genetics/Laboratory Corporation of America, LabCorp).